The following is an entry in ClinVar:

ClinVar aggregate classification (germline): Uncertain significance (1 of 4 stars; one submission).

Submission:

GeneDx
Classification: Uncertain significance. Last evaluated: 2024-09-16. Review status: criteria provided, single submitter. Criteria: GeneDx Variant Classification Process June 2021. Collection method: clinical testing. Allele origin: germline. Affected: yes.
Comment: Not observed at significant frequency in large population cohorts (gnomAD); In silico analysis supports that this missense variant has a deleterious effect on protein structure/function; Has not been previously published as pathogenic or benign to our knowledge

NM_013436.5(NCKAP1):c.1587G>C (p.Leu529Phe)

Gene: NCKAP1 (NCK associated protein 1; minus strand). Cytogenetic location: 2q32.1.
Variant type: single nucleotide variant.
Coding change: c.1587G>C on transcript NM_013436.5 (MANE Select); coding-DNA position 1587, G replaced by C.
Protein change: p.Leu529Phe; replaces leucine 529 with phenylalanine.
Molecular consequence: missense variant.
Genome position (GRCh38, 1-based): chr2:182,967,257, C>G on the plus strand (G>C on the coding strand, the complement: NCKAP1 is on the minus strand). VCF-style: chr2-182967257-C-G. GRCh37 (hg19) VCF-style: chr2-183831985-C-G.
Other names: c.1605G>C, p.Leu535Phe (NM_205842.3); short protein forms L529F, L535F.
Identifiers: ClinVar variation 3769751 (VCV003769751.1).